The following is an entry in ClinVar:

ClinVar aggregate classification (germline): Likely benign. Review status: criteria provided, multiple submitters, no conflicts (2 of 4 stars). 3 submissions from 3 submitters: Likely benign (2). 1 of the submissions does not count toward it. Last evaluated 2025-12-24.

Conditions:
REST-related disorder. Also called: REST-related condition.

Submissions (3):

Labcorp Genetics (formerly Invitae), Labcorp
Classification: Likely benign. Last evaluated: 2025-12-24. Review status: criteria provided, single submitter. Criteria: Invitae Variant Classification Sherloc (09022015). Collection method: clinical testing. Allele origin: germline.

Blueprint Genetics
Classification: Likely benign. Last evaluated: 2024-11-22. Review status: criteria provided, single submitter. Criteria: ACMG Guidelines, 2015. Collection method: clinical testing. Allele origin: germline.

PreventionGenetics, part of Exact Sciences
Classification: Likely benign for REST-related condition. Last evaluated: 2020-07-20. Review status: no assertion criteria provided. Collection method: clinical testing. Allele origin: germline. Not counted in ClinVar's aggregate classification.
Comment: This variant is classified as likely benign based on ACMG/AMP sequence variant interpretation guidelines (Richards et al. 2015 PMID: 25741868, with internal and published modifications).

NM_005612.5(REST):c.183CTG[1] (p.Cys63del)

Gene: REST (RE1 silencing transcription factor; plus strand). Cytogenetic location: 4q12.
Variant type: Microsatellite.
Coding change: c.183CTG[1] on transcript NM_005612.5 (MANE Select); one copy of the 3-base unit CTG starting at c.183; the reference has two copies in a row; one copy, 3 bases deleted.
Protein change: p.Cys63del; deletes cysteine 63.
Molecular consequence: inframe deletion. On other transcripts: inframe indel (2).
Genome position (GRCh38, 1-based): chr4:56,910,824-56,910,826, CTG deleted; deleting any 3 consecutive bases within chr4:56,910,820-56,910,826 gives the same sequence; the position shown is the placement nearest the transcript's 3' end. VCF-style (leftmost placement, unchanged base first): chr4-56910819-AGCT-A. GRCh37 (hg19) VCF-style: chr4-57776985-AGCT-A.
Other names: c.183_185CTG[1], p.Cys63del (NM_001193508.2, NM_001363453.3); short protein forms C63del.
Identifiers: ClinVar variation 1152352 (VCV001152352.12), dbSNP rs759701880, ClinGen allele CA2932050.